The following is an entry in ClinVar:

ClinVar aggregate classification (germline): Pathogenic (1 of 4 stars; one submission).

Submission:

Labcorp Genetics (formerly Invitae), Labcorp
Classification: Pathogenic. Last evaluated: 2022-03-21. Review status: criteria provided, single submitter. Criteria: Invitae Variant Classification Sherloc (09022015). Collection method: clinical testing. Allele origin: unknown.
Comment: For these reasons, this variant has been classified as Pathogenic. This variant has not been reported in the literature in individuals affected with MED17-related conditions. This variant is a gross deletion of the genomic region encompassing exon(s) 7-10 of the MED17 gene. This deletion is out-of-frame, and is expected to create a premature termination codon and result in an absent or disrupted protein product. Loss-of-function variants in MED17 are known to be pathogenic (PMID: 20950787, 26004231, 30345598).

Literature cited by the submitters: PubMed 20950787; PubMed 26004231; PubMed 30345598.

NC_000011.9:g.(?_93529556)_(93540821_?)del

Gene: MED17 (mediator complex subunit 17; plus strand). Cytogenetic location: 11q21.
Variant type: Deletion.
Identifiers: ClinVar variation 3244758 (VCV003244758.1).